The following is an entry in ClinVar:

ClinVar aggregate classification (germline): Uncertain significance (1 of 4 stars; one submission).

Submission:

GeneDx
Classification: Uncertain significance. Last evaluated: 2025-01-08. Review status: criteria provided, single submitter. Criteria: GeneDx Variant Classification Process June 2021. Collection method: clinical testing. Allele origin: germline. Affected: yes.
Comment: Not observed at significant frequency in large population cohorts (gnomAD); In silico analysis supports that this missense variant has a deleterious effect on protein structure/function; Has not been previously published as pathogenic or benign to our knowledge

NM_001009944.3(PKD1):c.9599T>G (p.Val3200Gly)

Gene: PKD1 (polycystin 1, transient receptor potential channel interacting; minus strand). Cytogenetic location: 16p13.3.
Variant type: single nucleotide variant.
Coding change: c.9599T>G on transcript NM_001009944.3 (MANE Select); coding-DNA position 9599, T replaced by G.
Protein change: p.Val3200Gly; replaces valine 3200 with glycine.
Molecular consequence: missense variant.
Genome position (GRCh38, 1-based): chr16:2,100,279, A>C on the plus strand (T>G on the coding strand, the complement: PKD1 is on the minus strand). VCF-style: chr16-2100279-A-C. GRCh37 (hg19) VCF-style: chr16-2150280-A-C.
Other names: c.9599T>G, p.Val3200Gly (NM_000296.4); short protein forms V3200G.
Identifiers: ClinVar variation 4056960 (VCV004056960.1).